The following is an entry in ClinVar:

ClinVar aggregate classification (somatic clinical impact): Tier I - Strong (1 of 4 stars; one submission).

Conditions:
Pineoblastoma. Identifiers: Orphanet 251909, MedGen C0205898, MONDO:0016722, HP:0030408.

Submission:

Institute for Genomic Medicine (IGM) Clinical Laboratory, Nationwide Children's Hospital
Classification: Tier I - Strong for Pineoblastoma. Assertion type: diagnostic. Clinical significance: supports diagnosis. Last evaluated: 2025-01-28. Review status: criteria provided, single submitter. Criteria: AMP/ASCO/CAP Guidelines, 2017. Collection method: clinical testing. Allele origin: somatic. Affected: yes.
Comment: Variant has Tier I (strong) clinical significance as a diagnostic inclusion criterion in pineoblastoma, based on the following evidence: 1) Appears in one or more well-established professional guidelines (e.g., World Health Organization [WHO]; National Comprehensive Cancer Network [NCCN]) as providing diagnostic, prognostic, or therapeutic information. 2) Diagnostic for a specific tumor type/classification based on well-powered studies with expert-level consensus (Evidence Level B; PMIDs: 30030436, 31820118, 31768671, 31802236, 32124011, 35972537, 37452938).

Literature cited by the submitters: PubMed 30030436; PubMed 31820118; PubMed 31768671; PubMed 31802236; PubMed 32124011; PubMed 35972537; PubMed 37452938.

NM_001382508.1(DROSHA):c.1842+2dup

Genes: DROSHA (drosha ribonuclease III; minus strand), LOC123493282 (Sharpr-MPRA regulatory region 6191; plus strand). Cytogenetic location: 5p13.3.
Variant type: Duplication.
Coding change: c.1842+2dup on transcript NM_001382508.1 (MANE Select); the canonical splice donor site of the intron after coding-DNA position 1842, one base duplicated (T; older notation c.1842+2dupT).
Molecular consequence: splice donor variant.
Genome position (GRCh38, 1-based): chr5:31,493,205, A duplicated on the plus strand (T on the coding strand, the reverse complement: DROSHA is on the minus strand). VCF-style (leftmost placement, unchanged base first): chr5-31493204-T-TA. GRCh37 (hg19) VCF-style: chr5-31493311-T-TA.
Other names: c.1842+2dup (NM_013235.5); c.1731+2dup (NM_001100412.2).
Identifiers: ClinVar variation 4530099 (VCV004530099.1).